The following is an entry in ClinVar:

NM_001159702.3(FHL1):c.-26-9537A>T

Gene: FHL1 (four and a half LIM domains 1; plus strand). Cytogenetic location: Xq26.3.
Variant type: single nucleotide variant.
Coding change: c.-26-9537A>T on transcript NM_001159702.3 (MANE Plus Clinical); 9537 bases into the intron before 26 bases upstream of the start codon, A replaced by T.
Molecular consequence: intron variant.
Genome position (GRCh38, 1-based): chrX:136,196,870, A>T. VCF-style: chrX-136196870-A-T. GRCh37 (hg19) VCF-style: chrX-135279029-A-T.
Other names: c.-26-9537A>T (NM_001449.5, NM_001159703.2, NM_001369326.1 and 7 more transcripts); c.61+7A>T (NM_001159701.2).
Identifiers: ClinVar variation 4953005 (VCV004953005.2).

ClinVar aggregate classification (germline): Likely benign. Review status: criteria provided, multiple submitters, no conflicts (2 of 4 stars). 2 submissions from 2 submitters: Likely benign (2). Last evaluated 2025-01-28.

Conditions:
FHL1-related disorder. Also called: FHL1-related condition; FHL1-related disorders.

gnomAD v4.1: 30 of 1,163,436 alleles (0.0026%); highest among the groups gnomAD compares: Middle Eastern, 0.025%; no homozygotes.

Submissions (2):

PreventionGenetics, part of Exact Sciences
Classification: Likely benign for FHL1-related condition. Last evaluated: 2025-01-28. Review status: criteria provided, single submitter. Criteria: ACMG Guidelines, 2015. Collection method: clinical testing. Allele origin: germline.
Comment: This variant is classified as likely benign based on ACMG/AMP sequence variant interpretation guidelines (Richards et al. 2015 PMID: 25741868, with internal and published modifications).

Blueprint Genetics
Classification: Likely benign. Last evaluated: 2024-09-05. Review status: criteria provided, single submitter. Criteria: ACMG Guidelines, 2015. Collection method: clinical testing. Allele origin: germline.